The following is an entry in ClinVar:

ClinVar aggregate classification (germline): Uncertain significance (1 of 4 stars; one submission).

Conditions:
Inborn genetic diseases. Identifiers: MedGen C0950123, MeSH D030342.

Submission:

Ambry Genetics
Classification: Uncertain significance for Inborn genetic diseases. Last evaluated: 2024-07-09. Review status: criteria provided, single submitter. Criteria: Ambry Variant Classification Scheme 2023. Collection method: clinical testing. Allele origin: germline.
Comment: The p.V157L variant (also known as c.469G>C), located in coding exon 2 of the ACD gene, results from a G to C substitution at nucleotide position 469. The valine at codon 157 is replaced by leucine, an amino acid with highly similar properties. This amino acid position is conserved. In addition, this alteration is predicted to be tolerated by in silico analysis. Based on the available evidence, the clinical significance of this variant remains unclear.

NM_001082486.2(ACD):c.211G>C (p.Val71Leu)

Gene: ACD (ACD shelterin complex subunit and telomerase recruitment factor; minus strand). Cytogenetic location: 16q22.1.
Variant type: single nucleotide variant.
Coding change: c.211G>C on transcript NM_001082486.2 (MANE Select); coding-DNA position 211, G replaced by C.
Protein change: p.Val71Leu; replaces valine 71 with leucine.
Molecular consequence: missense variant.
Genome position (GRCh38, 1-based): chr16:67,659,934, C>G on the plus strand (G>C on the coding strand, the complement: ACD is on the minus strand). VCF-style: chr16-67659934-C-G. GRCh37 (hg19) VCF-style: chr16-67693837-C-G.
Other names: c.211G>C, p.Val71Leu (NM_001410884.1); c.202G>C, p.Val68Leu (NM_022914.3); short protein forms V71L, V68L.
Identifiers: ClinVar variation 3480056 (VCV003480056.1).
Genomic context (GRCh38, chr16:67,659,934, plus strand): 5'-GACCTCCAGAGCCGCGCGGGGCCTCTCACCAGTCCGAGGTGTCCAGGGCCTCCCGCGTCA[C>G]CAGGCATCGGACACTGTGGGTCCCGTCAGACACAAGCAGCGTGGCCCCGACGTCGGACGT-3'
Protein context (NP_001075955.2, residues 61-81): SDGTHSVRCL[Val71Leu]TREALDTSDW